The following is an entry in ClinVar:

NM_182961.4(SYNE1):c.9604C>T (p.Arg3202Cys)

Gene: SYNE1 (spectrin repeat containing nuclear envelope protein 1; minus strand). Cytogenetic location: 6q25.2.
Variant type: single nucleotide variant.
Coding change: c.9604C>T on transcript NM_182961.4 (MANE Select); coding-DNA position 9604, C replaced by T.
Protein change: p.Arg3202Cys; replaces arginine 3202 with cysteine.
Molecular consequence: missense variant.
Genome position (GRCh38, 1-based): chr6:152,369,518, G>A on the plus strand (C>T on the coding strand, the complement: SYNE1 is on the minus strand). VCF-style: chr6-152369518-G-A. GRCh37 (hg19) VCF-style: chr6-152690653-G-A.
Other names: p.Arg3209Cys; c.9625C>T, p.Arg3209Cys (NM_033071.5); short protein forms R3209C, R3202C.
Identifiers: ClinVar variation 284574 (VCV000284574.23), dbSNP rs749550071, ClinGen allele CA4057278.

ClinVar aggregate classification (germline): Conflicting classifications of pathogenicity. Review status: criteria provided, conflicting classifications (1 of 4 stars). 10 submissions from 9 submitters: Uncertain significance (8); Benign (1); Likely benign (1). Last evaluated 2024-08-28.

Conditions:
Autosomal recessive ataxia, Beauce type. Also called: Spinocerebellar ataxia, autosomal recessive 8; ATAXIA, RECESSIVE, OF BEAUCE; SYNE1-Related Autosomal Recessive Cerebellar Ataxia; SYNE1 Deficiency. Identifiers: Orphanet 88644, MedGen C1853116, MONDO:0012549, OMIM 610743.
Emery-Dreifuss muscular dystrophy 4, autosomal dominant (EDMD4). Also called: EMERY-DREIFUSS MUSCULAR DYSTROPHY 4 WITH VARIABLE FEATURES. Identifiers: Orphanet 261, MedGen C2751807, MONDO:0013071, OMIM 612998.

Allele frequency attached by ClinVar (database versions not stated): ExAC 0.00008; gnomAD exomes 0.00008; TOPMed 0.00012; gnomAD 0.00013.
gnomAD v4.1: 135 of 1,614,052 alleles (0.0084%); highest among the groups gnomAD compares: African/African-American, 0.019%; no homozygotes.

Submissions (10):

GeneDx
Classification: Uncertain significance. Last evaluated: 2024-08-28. Review status: criteria provided, single submitter. Criteria: GeneDx Variant Classification Process June 2021. Collection method: clinical testing. Allele origin: germline. Affected: yes.
Comment: In silico analysis supports that this missense variant has a deleterious effect on protein structure/function; Has not been previously published as pathogenic or benign to our knowledge

Mayo Clinic Laboratories, Mayo Clinic
Classification: Uncertain significance. Last evaluated: 2024-05-01. Review status: criteria provided, single submitter. Criteria: ACMG Guidelines, 2015. Collection method: clinical testing. Allele origin: germline. Observed: 1 variant allele.

Labcorp Genetics (formerly Invitae), Labcorp
Classification: Uncertain significance for Emery-Dreifuss muscular dystrophy 4, autosomal dominant; Autosomal recessive ataxia, Beauce type. Last evaluated: 2024-01-02. Review status: criteria provided, single submitter. Criteria: Invitae Variant Classification Sherloc (09022015). Collection method: clinical testing. Allele origin: germline.
Comment: This sequence change replaces arginine, which is basic and polar, with cysteine, which is neutral and slightly polar, at codon 3209 of the SYNE1 protein (p.Arg3209Cys). This variant is present in population databases (rs749550071, gnomAD 0.02%). This variant has not been reported in the literature in individuals affected with SYNE1-related conditions. ClinVar contains an entry for this variant (Variation ID: 284574). An algorithm developed to predict the effect of missense changes on protein structure and function (PolyPhen-2) suggests that this variant is likely to be disruptive. In summary, the available evidence is currently insufficient to determine the role of this variant in disease. Therefore, it has been classified as a Variant of Uncertain Significance.

Revvity Omics, Revvity
Classification: Uncertain significance. Last evaluated: 2020-09-29. Review status: criteria provided, single submitter. Criteria: ACMG Guidelines, 2015. Collection method: clinical testing. Allele origin: germline.

Victorian Clinical Genetics Services, Murdoch Childrens Research Institute
Classification: Likely benign for Emery-Dreifuss muscular dystrophy 4, autosomal dominant. Last evaluated: 2020-05-21. Review status: criteria provided, single submitter. Criteria: ACMG Guidelines, 2015. Collection method: clinical testing. Allele origin: germline.
Comment: Based on the classification scheme VCGS_Germline_v1.1.1, this variant is classified as Likely Benign. Following criteria are met: 0102 - Loss-of-function is a known mechanism of disease for this gene. Both NMD-predicted and missense variants have been reported for this mechanism (ClinVar; PMID: 30573412). (N) 0104 - Dominant Negative is a mechanism of disease for this gene (OMIM). (N) 0108 - This gene is known to be associated with both recessive and dominant disease (OMIM). (N) 0200 - Variant is predicted to result in a missense amino acid change from an arginine to a cysteine (exon 60). (N) 0251 - Variant is heterozygous. (N) 0302 - Variant is present in gnomAD <0.001 for a dominant condition (24 heterozygotes, 0 homozygotes). (P) 0309 - An alternative amino acid change at the same position has been observed in gnomAD (28 heterozygotes, 0 homozygotes). (N) 0501 - Missense variant predicted to have conflicting in silico tools but highly conserved with a major amino acid change. (P) 0600 - Variant is located in an annotated domain or motif (spectrin repeat). (N) 0705 - No comparable variants have previous evidence for pathogenicity. (N) 0804 - Variant is at a low frequency in the population and has previously been described as variant of uncertain significance in multiple independent cases (ClinVar). (P) 0905 - No segregation evidence has been identified for this variant. (N) 1007 - No published functional evidence has been identified for this variant. (N) Legend: (P) - Pathogenic, (N) - Neutral, (B) - Benign

Athena Diagnostics
Classification: Uncertain significance. Last evaluated: 2020-01-29. Review status: criteria provided, single submitter. Criteria: Athena Diagnostics Criteria. Collection method: clinical testing. Allele origin: unknown.

Centre for Mendelian Genomics, University Medical Centre Ljubljana
Classification: Uncertain significance for Autosomal recessive ataxia, Beauce type. Last evaluated: 2019-07-11. Review status: criteria provided, single submitter. Criteria: ACMG Guidelines, 2015. Collection method: clinical testing. Allele origin: unknown. Affected: yes.
Comment: This variant was classified as: Uncertain significance. The available evidence favors the benign nature of this variant, however the evidence is insufficent to prove its benign nature. The following ACMG criteria were applied in classifying this variant: PP3,BS2.

Illumina Laboratory Services, Illumina
Classification: Uncertain significance for Autosomal recessive ataxia, Beauce type. Last evaluated: 2018-01-13. Review status: criteria provided, single submitter. Criteria: ICSL Variant Classification Criteria 13 December 2019. Collection method: clinical testing. Allele origin: germline.

Illumina Laboratory Services, Illumina
Classification: Benign for Emery-Dreifuss muscular dystrophy 4, autosomal dominant. Last evaluated: 2018-01-13. Review status: criteria provided, single submitter. Criteria: ICSL Variant Classification Criteria 13 December 2019. Collection method: clinical testing. Allele origin: germline.
Comment: This variant was observed in the ICSL laboratory as part of a predisposition screen in an ostensibly healthy population. It had not been previously curated by ICSL or reported in the Human Gene Mutation Database (HGMD: prior to June 1st, 2018), and was therefore a candidate for classification through an automated scoring system. Utilizing variant allele frequency, disease prevalence and penetrance estimates, and inheritance mode, an automated score was calculated to assess if this variant is too frequent to cause the disease. Based on the score and internal cut-off values, a variant classified as benign is not then subjected to further curation. The score for this variant resulted in a classification of benign for this disease.

Eurofins Ntd Llc (ga)
Classification: Uncertain significance. Last evaluated: 2015-11-24. Review status: criteria provided, single submitter. Criteria: EGL Classification Definitions 2015. Collection method: clinical testing. Allele origin: germline. Observed: 2 variant alleles, 2 heterozygotes.

Literature cited by the submitters: PubMed 30573412 (cited by Victorian Clinical Genetics Services, Murdoch Childrens Research Institute); PubMed 24388756 (cited by Athena Diagnostics).